The following is an entry in ClinVar:

ClinVar aggregate classification (germline): Uncertain significance. Review status: criteria provided, multiple submitters, no conflicts (2 of 4 stars). 2 submissions from 2 submitters: Uncertain significance (2). Last evaluated 2026-01-12.

Conditions:
Hereditary sensory neuropathy-deafness-dementia syndrome. Also called: Hereditary sensory neuropathy type IE; Hereditary Sensory and Autonomic Neuropathy Type 1E (HSAN1E); HSN IE; NEUROPATHY, HEREDITARY SENSORY, WITH HEARING LOSS AND DEMENTIA. Identifiers: Orphanet 456318, MedGen C3279885, MONDO:0013584, OMIM 614116.

Allele frequency attached by ClinVar (database versions not stated): gnomAD exomes below 0.00001; gnomAD 0.00001.
gnomAD v4.1: 2 of 1,601,564 alleles (0.00012%); highest among the groups gnomAD compares: Non-Finnish European, 0.00017%; no homozygotes.

Submissions (2):

Labcorp Genetics (formerly Invitae), Labcorp
Classification: Uncertain significance for Hereditary sensory neuropathy-deafness-dementia syndrome. Last evaluated: 2026-01-12. Review status: criteria provided, single submitter. Criteria: Invitae Variant Classification Sherloc (09022015). Collection method: clinical testing. Allele origin: germline.
Comment: This sequence change replaces aspartic acid, which is acidic and polar, with valine, which is neutral and non-polar, at codon 334 of the DNMT1 protein (p.Asp334Val). This variant is not present in population databases (gnomAD no frequency). This variant has not been reported in the literature in individuals affected with DNMT1-related conditions. ClinVar contains an entry for this variant (Variation ID: 3252883). Invitae Evidence Modeling of protein sequence and biophysical properties (such as structural, functional, and spatial information, amino acid conservation, physicochemical variation, residue mobility, and thermodynamic stability) indicates that this missense variant is not expected to disrupt DNMT1 protein function with a negative predictive value of 80%. In summary, the available evidence is currently insufficient to determine the role of this variant in disease. Therefore, it has been classified as a Variant of Uncertain Significance.

GeneDx
Classification: Uncertain significance. Last evaluated: 2023-11-06. Review status: criteria provided, single submitter. Criteria: GeneDx Variant Classification Process June 2021. Collection method: clinical testing. Allele origin: germline. Affected: yes.
Comment: Not observed at significant frequency in large population cohorts (gnomAD); In silico analysis supports that this missense variant does not alter protein structure/function; Has not been previously published as pathogenic or benign to our knowledge

NM_001130823.3(DNMT1):c.1001A>T (p.Asp334Val)

Gene: DNMT1 (DNA methyltransferase 1; minus strand). Cytogenetic location: 19p13.2.
Variant type: single nucleotide variant.
Coding change: c.1001A>T on transcript NM_001130823.3 (MANE Select); coding-DNA position 1001, A replaced by T.
Protein change: p.Asp334Val; replaces aspartic acid 334 with valine.
Molecular consequence: missense variant.
Genome position (GRCh38, 1-based): chr19:10,162,674, T>A on the plus strand (A>T on the coding strand, the complement: DNMT1 is on the minus strand). VCF-style: chr19-10162674-T-A. GRCh37 (hg19) VCF-style: chr19-10273350-T-A.
Other names: c.953A>T, p.Asp318Val (NM_001318730.2, NM_001379.4); c.638A>T, p.Asp213Val (NM_001318731.2); short protein forms D213V, D318V, D334V.
Identifiers: ClinVar variation 3252883 (VCV003252883.2), dbSNP rs2038596602.